The following is an entry in ClinVar:

NM_015041.3(CLUAP1):c.340G>A (p.Glu114Lys)

Gene: CLUAP1 (clusterin associated protein 1; plus strand). Cytogenetic location: 16p13.3.
Variant type: single nucleotide variant.
Coding change: c.340G>A on transcript NM_015041.3 (MANE Select); coding-DNA position 340, G replaced by A.
Protein change: p.Glu114Lys; replaces glutamic acid 114 with lysine.
Molecular consequence: missense variant.
Genome position (GRCh38, 1-based): chr16:3,508,409, G>A. VCF-style: chr16-3508409-G-A. GRCh37 (hg19) VCF-style: chr16-3558409-G-A.
Other names: c.340G>A, p.Glu114Lys (NM_001330454.2); short protein forms E114K.
Identifiers: ClinVar variation 1360010 (VCV001360010.8), dbSNP rs2037550756, ClinGen allele CA394512376.

ClinVar aggregate classification (germline): Uncertain significance (1 of 4 stars; one submission).

Allele frequency attached by ClinVar (database versions not stated): gnomAD exomes below 0.00001; TOPMed below 0.00001.
gnomAD v4.1: 2 of 1,596,660 alleles (0.00013%); highest among the groups gnomAD compares: African/African-American, 0.0014%; no homozygotes.

Submission:

Labcorp Genetics (formerly Invitae), Labcorp
Classification: Uncertain significance. Last evaluated: 2024-11-08. Review status: criteria provided, single submitter. Criteria: Invitae Variant Classification Sherloc (09022015). Collection method: clinical testing. Allele origin: germline.
Comment: This sequence change replaces glutamic acid, which is acidic and polar, with lysine, which is basic and polar, at codon 114 of the CLUAP1 protein (p.Glu114Lys). This variant is not present in population databases (gnomAD no frequency). This variant has not been reported in the literature in individuals affected with CLUAP1-related conditions. ClinVar contains an entry for this variant (Variation ID: 1360010). Invitae Evidence Modeling of protein sequence and biophysical properties (such as structural, functional, and spatial information, amino acid conservation, physicochemical variation, residue mobility, and thermodynamic stability) indicates that this missense variant is not expected to disrupt CLUAP1 protein function with a negative predictive value of 80%. In summary, the available evidence is currently insufficient to determine the role of this variant in disease. Therefore, it has been classified as a Variant of Uncertain Significance.